The following is an entry in ClinVar:

NM_003640.5(ELP1):c.2390A>G (p.Tyr797Cys)

Gene: ELP1 (elongator acetyltransferase complex subunit 1; minus strand). Cytogenetic location: 9q31.3.
Variant type: single nucleotide variant.
Coding change: c.2390A>G on transcript NM_003640.5 (MANE Select); coding-DNA position 2390, A replaced by G.
Protein change: p.Tyr797Cys; replaces tyrosine 797 with cysteine.
Molecular consequence: missense variant.
Genome position (GRCh38, 1-based): chr9:108,897,259, T>C on the plus strand (A>G on the coding strand, the complement: ELP1 is on the minus strand). VCF-style: chr9-108897259-T-C. GRCh37 (hg19) VCF-style: chr9-111659539-T-C.
Other names: c.2390A>G (NM_003640.3); c.2048A>G, p.Tyr683Cys (NM_001318360.2); c.1343A>G, p.Tyr448Cys (NM_001330749.2); short protein forms Y448C, Y683C, Y797C.
Identifiers: ClinVar variation 1320289 (VCV001320289.6), dbSNP rs1181862976, ClinGen allele CA374421477.

ClinVar aggregate classification (germline): Uncertain significance. Review status: criteria provided, multiple submitters, no conflicts (2 of 4 stars). 3 submissions from 3 submitters: Uncertain significance (3). Last evaluated 2023-07-30.

Conditions:
Medulloblastoma (MDB). Also called: Medulloblastoma, somatic; MEDULLOBLASTOMA PREDISPOSITION SYNDROME. Identifiers: Orphanet 616, MedGen C0025149, MeSH D008527, MONDO:0007959, OMIM 155255, HP:0002885.

Allele frequency attached by ClinVar (database versions not stated): gnomAD exomes below 0.00001 and 0.00002; TOPMed 0.00001.
gnomAD v4.1: 4 of 1,614,134 alleles (0.00025%); highest among the groups gnomAD compares: East Asian, 0.0067%; no homozygotes.

Submissions (3):

Ambry Genetics
Classification: Uncertain significance. Last evaluated: 2023-07-30. Review status: criteria provided, single submitter. Criteria: Ambry Variant Classification Scheme 2023. Collection method: clinical testing. Allele origin: germline.

Labcorp Genetics (formerly Invitae), Labcorp
Classification: Uncertain significance. Last evaluated: 2022-08-07. Review status: criteria provided, single submitter. Criteria: Invitae Variant Classification Sherloc (09022015). Collection method: clinical testing. Allele origin: germline.
Comment: This sequence change replaces tyrosine, which is neutral and polar, with cysteine, which is neutral and slightly polar, at codon 797 of the ELP1 protein (p.Tyr797Cys). This variant is present in population databases (no rsID available, gnomAD 0.02%). This variant has not been reported in the literature in individuals affected with ELP1-related conditions. ClinVar contains an entry for this variant (Variation ID: 1320289). Algorithms developed to predict the effect of missense changes on protein structure and function are either unavailable or do not agree on the potential impact of this missense change (SIFT: "Tolerated"; PolyPhen-2: "Probably Damaging"; Align-GVGD: "Class C0"). In summary, the available evidence is currently insufficient to determine the role of this variant in disease. Therefore, it has been classified as a Variant of Uncertain Significance.

St. Jude Molecular Pathology, St. Jude Children's Research Hospital
Classification: Uncertain significance for Medulloblastoma. Last evaluated: 2021-10-06. Review status: criteria provided, single submitter. Criteria: St. Jude Assertion Criteria 2020. Collection method: clinical testing. Allele origin: germline.
Comment: The ELP1 c.2390A>G (p.Tyr797Cys) missense change has a maximum subpopulation frequency of 0.022% in gnomAD v2.1.1. Six of seven in silico tools predict a deleterious effect of this variant on protein function (PP3), but to our knowledge these predictions have not been confirmed by functional assays. To our knowledge, this variant has not been reported in individuals with a personal or family history of medulloblastoma. In summary, this variant meets criteria to be classified as of uncertain significance based on the ACMG/AMP criteria: PP3.